The following is an entry in ClinVar:

NM_001206927.2(DNAH8):c.4889A>G (p.Lys1630Arg)

Gene: DNAH8 (dynein axonemal heavy chain 8; plus strand). Cytogenetic location: 6p21.2.
Variant type: single nucleotide variant.
Coding change: c.4889A>G on transcript NM_001206927.2 (MANE Select); coding-DNA position 4889, A replaced by G.
Protein change: p.Lys1630Arg; replaces lysine 1630 with arginine.
Molecular consequence: missense variant.
Genome position (GRCh38, 1-based): chr6:38,845,617, A>G. VCF-style: chr6-38845617-A-G. GRCh37 (hg19) VCF-style: chr6-38813393-A-G.
Other names: c.4238A>G, p.Lys1413Arg (NM_001371.4); short protein forms K1413R, K1630R.
Identifiers: ClinVar variation 2155067 (VCV002155067.3), dbSNP rs1026014401, ClinGen allele CA137571154.

ClinVar aggregate classification (germline): Uncertain significance (1 of 4 stars; one submission).

Conditions:
Primary ciliary dyskinesia. Also called: Ciliary dyskinesia. Identifiers: Orphanet 244, MedGen C0008780, MONDO:0016575, HP:0012265.

Allele frequency attached by ClinVar (database versions not stated): TOPMed below 0.00001; gnomAD 0.00001; gnomAD exomes 0.00001.
gnomAD v4.1: 11 of 1,613,884 alleles (0.00068%); highest among the groups gnomAD compares: Admixed American, 0.0083%; no homozygotes.

Submission:

Labcorp Genetics (formerly Invitae), Labcorp
Classification: Uncertain significance for Primary ciliary dyskinesia. Last evaluated: 2022-05-04. Review status: criteria provided, single submitter. Criteria: Invitae Variant Classification Sherloc (09022015). Collection method: clinical testing. Allele origin: germline.
Comment: In summary, the available evidence is currently insufficient to determine the role of this variant in disease. Therefore, it has been classified as a Variant of Uncertain Significance. Algorithms developed to predict the effect of missense changes on protein structure and function are either unavailable or do not agree on the potential impact of this missense change (SIFT: "Deleterious"; PolyPhen-2: "Not Available"; Align-GVGD: "Class C0"). This variant has not been reported in the literature in individuals affected with DNAH8-related conditions. This variant is present in population databases (no rsID available, gnomAD 0.01%). This sequence change replaces lysine, which is basic and polar, with arginine, which is basic and polar, at codon 1630 of the DNAH8 protein (p.Lys1630Arg).